The following is an entry in ClinVar:

ClinVar aggregate classification (germline): Benign/Likely benign. Review status: criteria provided, multiple submitters, no conflicts (2 of 4 stars). 13 submissions from 9 submitters: Benign (8); Likely benign (4). 1 of the submissions does not count toward it. Last evaluated 2026-09-01.

Conditions:
Fetal akinesia, respiratory insufficiency, microcephaly, polymicrogyria, and dysmorphic facies. Identifiers: MedGen C5562015, MONDO:0859204, OMIM 619602.
Developmental and epileptic encephalopathy 98. Identifiers: MedGen C5562017, MONDO:0030472, OMIM 619605.
Inborn genetic diseases. Identifiers: MedGen C0950123, MeSH D030342.
Migraine, familial hemiplegic, 2. Identifiers: Orphanet 569, MedGen C1865322, MONDO:0011232, OMIM 602481.
Alternating hemiplegia of childhood 1 (AHC1). Identifiers: Orphanet 2131, MedGen C3549447, MONDO:0007087, OMIM 104290.
ATP1A2-related disorder. Also called: ATP1A2-RELATED DISORDERS; ATP1A2-related condition.
Familial hemiplegic migraine. Identifiers: MedGen C0338484, MONDO:0000700.

Allele frequency attached by ClinVar (database versions not stated): TOPMed 0.00022; gnomAD 0.00023 and 0.00026; ESP Exome Variant Server 0.00038; ExAC 0.00042; gnomAD exomes 0.00045.
gnomAD v4.1: 697 of 1,614,086 alleles (0.043%); highest among the groups gnomAD compares: South Asian, 0.18%; 2 homozygotes.

Submissions (13):

CeGaT Center for Human Genetics Tuebingen
Classification: Likely benign. Last evaluated: 2026-09-01. Review status: criteria provided, single submitter. Criteria: CeGaT Center For Human Genetics Tuebingen Variant Classification Criteria Version 2. Collection method: clinical testing. Allele origin: germline. Affected: yes. Observed: 5 variant alleles.
Comment: ATP1A2: BP4, BP7

Labcorp Genetics (formerly Invitae), Labcorp
Classification: Benign for Familial hemiplegic migraine. Last evaluated: 2026-02-03. Review status: criteria provided, single submitter. Criteria: Invitae Variant Classification Sherloc (09022015). Collection method: clinical testing. Allele origin: germline.

Blueprint Genetics
Classification: Likely benign. Last evaluated: 2024-08-16. Review status: criteria provided, single submitter. Criteria: ACMG Guidelines, 2015. Collection method: clinical testing. Allele origin: germline.

Genome-Nilou Lab
Classification: Benign for Alternating hemiplegia of childhood 1. Last evaluated: 2021-12-05. Review status: criteria provided, single submitter. Criteria: ACMG Guidelines, 2015. Collection method: clinical testing. Allele origin: germline. Affected: no.

Genome-Nilou Lab
Classification: Benign for Developmental and epileptic encephalopathy 98. Last evaluated: 2021-12-05. Review status: criteria provided, single submitter. Criteria: ACMG Guidelines, 2015. Collection method: clinical testing. Allele origin: germline. Affected: no.

Genome-Nilou Lab
Classification: Benign for Fetal akinesia, respiratory insufficiency, microcephaly, polymicrogyria, and dysmorphic facies. Last evaluated: 2021-12-05. Review status: criteria provided, single submitter. Criteria: ACMG Guidelines, 2015. Collection method: clinical testing. Allele origin: germline. Affected: no.

Genome-Nilou Lab
Classification: Benign for Migraine, familial hemiplegic, 2. Last evaluated: 2021-12-05. Review status: criteria provided, single submitter. Criteria: ACMG Guidelines, 2015. Collection method: clinical testing. Allele origin: germline. Affected: no.

Illumina Laboratory Services, Illumina
Classification: Benign for Alternating hemiplegia of childhood 1. Last evaluated: 2018-01-13. Review status: criteria provided, single submitter. Criteria: ICSL Variant Classification Criteria 13 December 2019. Collection method: clinical testing. Allele origin: germline.
Comment: This variant was observed in the ICSL laboratory as part of a predisposition screen in an ostensibly healthy population. It had not been previously curated by ICSL or reported in the Human Gene Mutation Database (HGMD: prior to June 1st, 2018), and was therefore a candidate for classification through an automated scoring system. Utilizing variant allele frequency, disease prevalence and penetrance estimates, and inheritance mode, an automated score was calculated to assess if this variant is too frequent to cause the disease. Based on the score and internal cut-off values, a variant classified as benign is not then subjected to further curation. The score for this variant resulted in a classification of benign for this disease.

Illumina Laboratory Services, Illumina
Classification: Likely benign for Migraine, familial hemiplegic, 2. Last evaluated: 2018-01-13. Review status: criteria provided, single submitter. Criteria: ICSL Variant Classification Criteria 13 December 2019. Collection method: clinical testing. Allele origin: germline.
Comment: This variant was observed in the ICSL laboratory as part of a predisposition screen in an ostensibly healthy population. It had not been previously curated by ICSL or reported in the Human Gene Mutation Database (HGMD: prior to June 1st, 2018), and was therefore a candidate for classification through an automated scoring system. Utilizing variant allele frequency, disease prevalence and penetrance estimates, and inheritance mode, an automated score was calculated to assess if this variant is too frequent to cause the disease. Based on the score and internal cut-off values, a variant classified as likely benign is not then subjected to further curation. The score for this variant resulted in a classification of likely benign for this disease.

Athena Diagnostics
Classification: Benign. Last evaluated: 2017-02-24. Review status: criteria provided, single submitter. Criteria: Athena Diagnostics Criteria. Collection method: clinical testing. Allele origin: germline.

Ambry Genetics
Classification: Likely benign for Inborn genetic diseases. Last evaluated: 2016-12-19. Review status: criteria provided, single submitter. Criteria: Ambry Variant Classification Scheme 2023. Collection method: clinical testing. Allele origin: germline.

GeneDx
Classification: Benign. Last evaluated: 2015-07-22. Review status: criteria provided, single submitter. Criteria: GeneDx Variant Classification (06012015). Collection method: clinical testing. Allele origin: germline. Affected: yes.
Comment: This variant is considered likely benign or benign based on one or more of the following criteria: it is a conservative change, it occurs at a poorly conserved position in the protein, it is predicted to be benign by multiple in silico algorithms, and/or has population frequency not consistent with disease.

PreventionGenetics, part of Exact Sciences
Classification: Likely benign for ATP1A2-related condition. Last evaluated: 2019-12-09. Review status: no assertion criteria provided. Collection method: clinical testing. Allele origin: germline. Not counted in ClinVar's aggregate classification.
Comment: This variant is classified as likely benign based on ACMG/AMP sequence variant interpretation guidelines (Richards et al. 2015 PMID: 25741868, with internal and published modifications).

NM_000702.4(ATP1A2):c.339C>T (p.Tyr113=)

Gene: ATP1A2 (ATPase Na+/K+ transporting subunit alpha 2; plus strand). Cytogenetic location: 1q23.2.
Variant type: single nucleotide variant.
Coding change: c.339C>T on transcript NM_000702.4 (MANE Select); coding-DNA position 339, C replaced by T.
Protein change: p.Tyr113=; no amino-acid change (tyrosine 113 retained).
Molecular consequence: synonymous variant.
Genome position (GRCh38, 1-based): chr1:160,123,374, C>T. VCF-style: chr1-160123374-C-T. GRCh37 (hg19) VCF-style: chr1-160093164-C-T.
Identifiers: ClinVar variation 293126 (VCV000293126.46), dbSNP rs148929192, ClinGen allele CA1194155.